The following is an entry in ClinVar:

ClinVar aggregate classification (germline): Uncertain significance. Review status: criteria provided, multiple submitters, no conflicts (2 of 4 stars). 3 submissions from 3 submitters: Uncertain significance (2). 1 of the submissions does not count toward it. Last evaluated 2022-05-10.

Conditions:
Creatine deficiency syndrome 1.
Creatine transporter deficiency (CCDS1). Also called: Creatine Transporter (CRTR) Deficiency; SLC6A8-Related Creatine Transporter Deficiency; CREATINE TRANSPORTER DEFECT; CEREBRAL CREATINE DEFICIENCY SYNDROME 1; Mental retardation , X-linked with seizures, short stature and midface hypoplasia; Mental retardation , X-linked, with creatine transport deficiency. Identifiers: Orphanet 52503, MedGen C1845862, MONDO:0010305, OMIM 300352.

Allele frequency attached by ClinVar (database versions not stated): TOPMed 0.00002.
gnomAD v4.1: 1 of 1,181,616 alleles (0.000085%); highest among the groups gnomAD compares: African/African-American, 0.0018%; no homozygotes.

Submissions (3):

Labcorp Genetics (formerly Invitae), Labcorp
Classification: Uncertain significance for Creatine transporter deficiency. Last evaluated: 2022-05-10. Review status: criteria provided, single submitter. Criteria: Invitae Variant Classification Sherloc (09022015). Collection method: clinical testing. Allele origin: germline.
Comment: In summary, the available evidence is currently insufficient to determine the role of this variant in disease. Therefore, it has been classified as a Variant of Uncertain Significance. Advanced modeling of protein sequence and biophysical properties (such as structural, functional, and spatial information, amino acid conservation, physicochemical variation, residue mobility, and thermodynamic stability) performed at Invitae indicates that this missense variant is not expected to disrupt SLC6A8 protein function. ClinVar contains an entry for this variant (Variation ID: 451658). This variant has not been reported in the literature in individuals affected with SLC6A8-related conditions. This variant is not present in population databases (gnomAD no frequency). This sequence change replaces valine, which is neutral and non-polar, with aspartic acid, which is acidic and polar, at codon 634 of the SLC6A8 protein (p.Val634Asp).

GeneDx
Classification: Uncertain significance. Last evaluated: 2017-09-12. Review status: criteria provided, single submitter. Criteria: GeneDx Variant Classification (06012015). Collection method: clinical testing. Allele origin: germline. Affected: yes.
Comment: The V634D variant has not been published as a pathogenic variant, nor has it been reported as a benign variant to our knowledge. The V634D variant is not observed in large population cohorts (Lek et al., 2016; 1000 Genomes Consortium et al., 2015; Exome Variant Server). The V634D variant is a non-conservative amino acid substitution, which is likely to impact secondary protein structure as these residues differ in polarity, charge, size and/or other properties. This substitution occurs at a position that is conserved in mammals. In silico analysis is inconsistent in its predictions as to whether or not the variant is damaging to the protein structure/function. In summary, based on the currently available information, it is unclear whether this variant is a pathogenic variant or a rare benign variant.

Natera, Inc.
Classification: Uncertain significance for Creatine deficiency syndrome 1. Last evaluated: 2020-01-20. Review status: no assertion criteria provided. Collection method: clinical testing. Allele origin: germline. Not counted in ClinVar's aggregate classification.

NM_005629.4(SLC6A8):c.1901T>A (p.Val634Asp)

Gene: SLC6A8 (solute carrier family 6 member 8; plus strand). Cytogenetic location: Xq28.
Variant type: single nucleotide variant.
Coding change: c.1901T>A on transcript NM_005629.4 (MANE Select); coding-DNA position 1901, T replaced by A.
Protein change: p.Val634Asp; replaces valine 634 with aspartic acid.
Molecular consequence: missense variant.
Genome position (GRCh38, 1-based): chrX:153,695,207, T>A. VCF-style: chrX-153695207-T-A. GRCh37 (hg19) VCF-style: chrX-152960662-T-A.
Other names: c.1871T>A, p.Val624Asp (NM_001142805.2); c.1556T>A, p.Val519Asp (NM_001142806.1); short protein forms V634D, V519D, V624D.
Identifiers: ClinVar variation 451658 (VCV000451658.7), dbSNP rs1236176576, ClinGen allele CA415091333.